The following is an entry in ClinVar:

NM_001099271.2(POC5):c.587A>T (p.Glu196Val)

Gene: POC5 (POC5 centriolar protein; minus strand). Cytogenetic location: 5q13.3.
Variant type: single nucleotide variant.
Coding change: c.587A>T on transcript NM_001099271.2 (MANE Select); coding-DNA position 587, A replaced by T.
Protein change: p.Glu196Val; replaces glutamic acid 196 with valine.
Molecular consequence: missense variant.
Genome position (GRCh38, 1-based): chr5:75,694,758, T>A on the plus strand (A>T on the coding strand, the complement: POC5 is on the minus strand). VCF-style: chr5-75694758-T-A. GRCh37 (hg19) VCF-style: chr5-74990583-T-A.
Other names: c.512A>T, p.Glu171Val (NM_152408.3); short protein forms E171V, E196V.
Identifiers: ClinVar variation 3629288 (VCV003629288.2).

ClinVar aggregate classification (germline): Uncertain significance (1 of 4 stars; one submission).

gnomAD v4.1: 6 of 1,590,594 alleles (0.00038%); highest among the groups gnomAD compares: Middle Eastern, 0.017%; no homozygotes.

Submission:

Labcorp Genetics (formerly Invitae), Labcorp
Classification: Uncertain significance. Last evaluated: 2025-01-20. Review status: criteria provided, single submitter. Criteria: Invitae Variant Classification Sherloc (09022015). Collection method: clinical testing. Allele origin: germline.
Comment: This sequence change replaces glutamic acid, which is acidic and polar, with valine, which is neutral and non-polar, at codon 196 of the POC5 protein (p.Glu196Val). This variant is present in population databases (no rsID available, gnomAD 0.0009%). This variant has not been reported in the literature in individuals affected with POC5-related conditions. An algorithm developed to predict the effect of missense changes on protein structure and function (PolyPhen-2) suggests that this variant is likely to be tolerated. In summary, the available evidence is currently insufficient to determine the role of this variant in disease. Therefore, it has been classified as a Variant of Uncertain Significance.